The following is an entry in ClinVar:

NM_000465.4(BARD1):c.1678-1_1684del

Gene: BARD1 (BRCA1 associated RING domain 1; minus strand). Cytogenetic location: 2q35.
Variant type: Deletion.
Coding change: c.1678-1_1684del on transcript NM_000465.4 (MANE Select); the canonical splice acceptor site of the intron before coding-DNA position 1678 through coding-DNA position 1684, 8 bases deleted (GATGAACA; older notation c.1678-1_1684delGATGAACA).
Molecular consequence: splice acceptor variant. On other transcripts: intron variant (1).
Genome position (GRCh38, 1-based): chr2:214,745,848-214,745,855, TGTTCATC deleted on the plus strand (GATGAACA on the coding strand, the reverse complement: BARD1 is on the minus strand); deleting any 8 consecutive bases within chr2:214,745,848-214,745,859 gives the same sequence; the c. name uses the placement nearest the transcript's 3' end. VCF-style (leftmost placement, unchanged base first): chr2-214745847-GTGTTCATC-G. GRCh37 (hg19) VCF-style: chr2-215610571-GTGTTCATC-G.
Other names: c.268-1_274del (NM_001282548.2); c.1621-1_1627del (NM_001282543.2); c.325-1_331del (NM_001282545.2); c.365-15347_365-15340del (NM_001282549.2).
Identifiers: ClinVar variation 2744877 (VCV002744877.3), dbSNP rs1559387297, ClinGen allele CA539537745.

ClinVar aggregate classification (germline): Likely pathogenic (1 of 4 stars; one submission).

Conditions:
Familial cancer of breast. Also called: hereditary breast carcinoma; Hereditary breast cancer; BREAST CANCER, FAMILIAL. Identifiers: Orphanet 227535, MedGen C0346153, MONDO:0016419, OMIM 114480. Disease mechanism: loss of function.

Submission:

Labcorp Genetics (formerly Invitae), Labcorp
Classification: Likely pathogenic for Familial cancer of breast. Last evaluated: 2023-07-19. Review status: criteria provided, single submitter. Criteria: Invitae Variant Classification Sherloc (09022015). Collection method: clinical testing. Allele origin: germline.
Comment: This variant results in the deletion of part of exon 8 (c.1678-1_1684del) of the BARD1 gene. It is expected to disrupt RNA splicing. Variants that disrupt the donor or acceptor splice site typically lead to a loss of protein function (PMID: 16199547), and loss-of-function variants in BARD1 are known to be pathogenic (PMID: 20077502, 21344236). This variant is present in population databases (no rsID available, gnomAD 0.0009%). This variant has not been reported in the literature in individuals affected with BARD1-related conditions. Algorithms developed to predict the effect of sequence changes on RNA splicing suggest that this variant may disrupt the consensus splice site. In summary, the currently available evidence indicates that the variant is pathogenic, but additional data are needed to prove that conclusively. Therefore, this variant has been classified as Likely Pathogenic.

Literature cited by the submitters: PubMed 16199547; PubMed 20077502; PubMed 21344236.